The following is an entry in ClinVar:

ClinVar aggregate classification (germline): Conflicting classifications of pathogenicity. Review status: criteria provided, conflicting classifications (1 of 4 stars). 4 submissions from 4 submitters: Likely pathogenic (1); Uncertain significance (2); Likely benign (1). Last evaluated 2026-02-11.

Conditions:
SH3TC2-related disorder. Also called: SH3TC2-related condition; SH3TC2-related disorders. Identifiers: MedGen CN239303.
Charcot-Marie-Tooth disease type 4. Also called: Charcot-Marie-Tooth disease, type IV; Charcot-Marie-Tooth, Type 4. Identifiers: Orphanet 64749, MedGen C4082197, MONDO:0018995.
Inborn genetic diseases. Identifiers: MedGen C0950123, MeSH D030342.

Allele frequency attached by ClinVar (database versions not stated): gnomAD exomes 0.00001; gnomAD 0.00007 and 0.00008; TOPMed 0.00007; ESP Exome Variant Server 0.00008.
gnomAD v4.1: 15 of 1,614,052 alleles (0.00093%); highest among the groups gnomAD compares: African/African-American, 0.017%; no homozygotes.

Submissions (4):

PreventionGenetics, part of Exact Sciences
Classification: Uncertain significance for SH3TC2-related condition. Last evaluated: 2026-02-11. Review status: criteria provided, single submitter. Criteria: ACMG Guidelines, 2015. Collection method: clinical testing. Allele origin: germline.
Comment: The SH3TC2 c.1725G>T variant is predicted to result in the amino acid substitution p.Leu575Phe. To our knowledge, this variant has not been reported in the literature. This variant is reported in 0.0080% of alleles in individuals of African descent in gnomAD. At this time, the clinical significance of this variant is uncertain due to the absence of conclusive functional and genetic evidence.

GeneDx
Classification: Likely pathogenic. Last evaluated: 2025-04-25. Review status: criteria provided, single submitter. Criteria: GeneDx Variant Classification Process June 2021. Collection method: clinical testing. Allele origin: germline. Affected: yes.
Comment: Not observed at significant frequency in large population cohorts (gnomAD); In silico analysis supports that this missense variant has a deleterious effect on protein structure/function; Has not been previously published as pathogenic or benign to our knowledge

Labcorp Genetics (formerly Invitae), Labcorp
Classification: Likely benign for Charcot-Marie-Tooth disease type 4. Last evaluated: 2024-11-06. Review status: criteria provided, single submitter. Criteria: Invitae Variant Classification Sherloc (09022015). Collection method: clinical testing. Allele origin: germline.

Ambry Genetics
Classification: Uncertain significance for Inborn genetic diseases. Last evaluated: 2024-01-08. Review status: criteria provided, single submitter. Criteria: Ambry Variant Classification Scheme 2023. Collection method: clinical testing. Allele origin: germline.

NM_024577.4(SH3TC2):c.1725G>T (p.Leu575Phe)

Gene: SH3TC2 (SH3 domain and tetratricopeptide repeats 2; minus strand). Cytogenetic location: 5q32.
Variant type: single nucleotide variant.
Coding change: c.1725G>T on transcript NM_024577.4 (MANE Select); coding-DNA position 1725, G replaced by T.
Protein change: p.Leu575Phe; replaces leucine 575 with phenylalanine.
Molecular consequence: missense variant.
Genome position (GRCh38, 1-based): chr5:149,028,007, C>A on the plus strand (G>T on the coding strand, the complement: SH3TC2 is on the minus strand). VCF-style: chr5-149028007-C-A. GRCh37 (hg19) VCF-style: chr5-148407570-C-A.
Other names: short protein forms L575F.
Identifiers: ClinVar variation 1003771 (VCV001003771.12), dbSNP rs376266262, ClinGen allele CA128985094.